The following is an entry in ClinVar:

GRCh37/hg19 14q11.2(chr14:20875269-23659582)x3

Genes: ABHD4 (abhydrolase domain containing 4, N-acyl phospholipase B; plus strand), ACIN1 (apoptotic chromatin condensation inducer 1; minus strand), AJUBA (ajuba LIM protein; minus strand), ANG (angiogenin; plus strand), APEX1 (apurinic/apyrimidinic endodeoxyribonuclease 1; plus strand) and 61 more. Cytogenetic location: 14q11.2.
Variant type: copy number gain.
Change: copy number 3 (three copies instead of two) of chr14:20,875,269-23,659,582 (2.78 Mb, GRCh37 coordinates, 1-based), cytogenetic band 14q11.2.
Identifiers: ClinVar variation 3391854 (VCV003391854.1).

ClinVar aggregate classification (germline): Pathogenic (1 of 4 stars; one submission).

Submission:

Quest Diagnostics Nichols Institute San Juan Capistrano
Classification: Pathogenic. Last evaluated: 2023-07-16. Review status: criteria provided, single submitter. Criteria: ACMG/ClinGen CNV Guidelines, 2019. Collection method: clinical testing. Allele origin: unknown.
Comment: This duplication overlaps the 14q11.2 microduplication syndromic region (Firth 2009, Monfort 2007, Pascolini 2020, Smol 2020, Smyk 2016). There are no similar copy number gains of this region in the general populations of the Database of Genomic Variants. Thus, based on current medical literature and gene count, this CNV is classified as pathogenic. References: Firth et al., Am J Hum Genet. 2009 Apr;84(4):524-33. PMID: 19344873; Monfort et al., Am J Med Genet A. 2007 Feb 15;143(4):382-4. PMID: 17230491; Pascolini et al., Neurol Sci. 2020 Dec;41(12):3751-3753. PMID: 32529320; Smol et al., Neurogenetics. 2020 Jan;21(1):67-72. PMID: 31823155; Smyk et al., Am J Med Genet A. 2016 May;170A(5):1325-9. PMID: 26834018